The following is an entry in ClinVar:

ClinVar aggregate classification (germline): Pathogenic. Review status: criteria provided, multiple submitters, no conflicts (2 of 4 stars). 2 submissions from 2 submitters: Pathogenic (2). Last evaluated 2025-09-10.

Conditions:
Alstrom syndrome (ALMS). Identifiers: Orphanet 64, MedGen C0268425, MONDO:0008763, OMIM 203800.
Cardiovascular phenotype. Identifiers: MedGen CN230736.

Allele frequency attached by ClinVar (database versions not stated): gnomAD exomes below 0.00001.

Submissions (2):

Ambry Genetics
Classification: Pathogenic for Cardiovascular phenotype. Last evaluated: 2025-09-10. Review status: criteria provided, single submitter. Criteria: Ambry Variant Classification Scheme 2023. Collection method: clinical testing. Allele origin: germline.
Comment: The c.3875_3878dupAGAA pathogenic mutation, located in coding exon 8 of the ALMS1 gene, results from a duplication of AGAA at nucleotide position 3875, causing a translational frameshift with a predicted alternate stop codon (p.P1294Efs*13). This variant is considered to be rare based on population cohorts in the Genome Aggregation Database (gnomAD). This alteration is expected to result in loss of function by premature protein truncation or nonsense-mediated mRNA decay. As such, this alteration is interpreted as a disease-causing mutation.

Labcorp Genetics (formerly Invitae), Labcorp
Classification: Pathogenic for Alstrom syndrome. Last evaluated: 2023-12-14. Review status: criteria provided, single submitter. Criteria: Invitae Variant Classification Sherloc (09022015). Collection method: clinical testing. Allele origin: germline.
Comment: This sequence change creates a premature translational stop signal (p.Pro1294Glufs*13) in the ALMS1 gene. It is expected to result in an absent or disrupted protein product. Loss-of-function variants in ALMS1 are known to be pathogenic (PMID: 17594715). This variant is not present in population databases (gnomAD no frequency). This variant has not been reported in the literature in individuals affected with ALMS1-related conditions. For these reasons, this variant has been classified as Pathogenic.

Literature cited by the submitters: PubMed 17594715 (cited by Labcorp Genetics (formerly Invitae), Labcorp).

NM_001378454.1(ALMS1):c.3872_3875dup (p.Pro1293fs)

Gene: ALMS1 (ALMS1 centrosome and basal body associated protein; plus strand). Cytogenetic location: 2p13.1.
Variant type: Duplication.
Coding change: c.3872_3875dup on transcript NM_001378454.1 (MANE Select); coding-DNA positions 3872 to 3875, 4 bases duplicated (AGAA; older notation c.3872_3875dupAGAA).
Protein change: p.Pro1293fs; shifts the reading frame from proline 1293.
Molecular consequence: frameshift variant.
Genome position (GRCh38, 1-based): chr2:73,450,399-73,450,402, AGAA duplicated. VCF-style (leftmost placement, unchanged base first): chr2-73450398-G-GAGAA. GRCh37 (hg19) VCF-style: chr2-73677525-G-GAGAA.
Other names: c.3875_3878dup, p.Pro1294fs (NM_015120.4); c.3875_3878dupAGAA (NM_015120.4); short protein forms P1294fs, P1293fs.
Identifiers: ClinVar variation 2787176 (VCV002787176.5), dbSNP rs2466099701, ClinGen allele CA2659618875.
Genomic context (GRCh38, chr2:73,450,398, plus strand): 5'-CCAGTTGACCAGACAACTGGCACACCAGCTGTAACCTCTACTTCCTACTCACAATATAGA[G>GAGAA]AGAAGCCCAGCATTTTCTACCAACAGTCGTTGCCAAGTAGTCATCTAACTGAAGAGGCTA-3'